The following is an entry in ClinVar:

ClinVar aggregate classification (germline): Uncertain significance (1 of 4 stars; one submission).

Conditions:
Dyskeratosis congenita. Identifiers: Orphanet 1775, MedGen C0265965, MONDO:0015780.

Submission:

Labcorp Genetics (formerly Invitae), Labcorp
Classification: Uncertain significance for Dyskeratosis congenita. Last evaluated: 2022-03-14. Review status: criteria provided, single submitter. Criteria: Invitae Variant Classification Sherloc (09022015). Collection method: clinical testing. Allele origin: germline.
Comment: In summary, the available evidence is currently insufficient to determine the role of this variant in disease. Therefore, it has been classified as a Variant of Uncertain Significance. Algorithms developed to predict the effect of missense changes on protein structure and function are either unavailable or do not agree on the potential impact of this missense change (SIFT: "Deleterious"; PolyPhen-2: "Probably Damaging"; Align-GVGD: "Class C0"). ClinVar contains an entry for this variant (Variation ID: 578061). This variant has not been reported in the literature in individuals affected with CTC1-related conditions. This variant is not present in population databases (gnomAD no frequency). This sequence change replaces proline, which is neutral and non-polar, with histidine, which is basic and polar, at codon 168 of the CTC1 protein (p.Pro168His).

NM_025099.6(CTC1):c.503C>A (p.Pro168His)

Gene: CTC1 (CST telomere replication complex component 1; minus strand). Cytogenetic location: 17p13.1.
Variant type: single nucleotide variant.
Coding change: c.503C>A on transcript NM_025099.6 (MANE Select); coding-DNA position 503, C replaced by A.
Protein change: p.Pro168His; replaces proline 168 with histidine.
Molecular consequence: missense variant. On other transcripts: non-coding transcript variant (1).
Genome position (GRCh38, 1-based): chr17:8,238,175, G>T on the plus strand (C>A on the coding strand, the complement: CTC1 is on the minus strand). VCF-style: chr17-8238175-G-T. GRCh37 (hg19) VCF-style: chr17-8141493-G-T.
Other names: short protein forms P168H.
Identifiers: ClinVar variation 578061 (VCV000578061.9), dbSNP rs1567613854, ClinGen allele CA397992796.